The following is an entry in ClinVar:

NM_001005273.3(CHD3):c.1579C>G (p.Pro527Ala)

Gene: CHD3 (chromodomain helicase DNA binding protein 3; plus strand). Cytogenetic location: 17p13.1.
Variant type: single nucleotide variant.
Coding change: c.1579C>G on transcript NM_001005273.3 (MANE Select); coding-DNA position 1579, C replaced by G.
Protein change: p.Pro527Ala; replaces proline 527 with alanine.
Molecular consequence: missense variant.
Genome position (GRCh38, 1-based): chr17:7,895,414, C>G. VCF-style: chr17-7895414-C-G. GRCh37 (hg19) VCF-style: chr17-7798732-C-G.
Other names: c.1756C>G, p.Pro586Ala (NM_001005271.3, NM_001437504.1); c.1744C>G, p.Pro582Ala (NM_001437507.1, NM_001437508.1, NM_001437509.1); c.1579C>G, p.Pro527Ala (NM_005852.4); short protein forms P527A, P582A, P586A.
Identifiers: ClinVar variation 4874750 (VCV004874750.2).

ClinVar aggregate classification (germline): Likely benign (1 of 4 stars; one submission).

Submission:

CeGaT Center for Human Genetics Tuebingen
Classification: Likely benign. Last evaluated: 2026-04-01. Review status: criteria provided, single submitter. Criteria: CeGaT Center For Human Genetics Tuebingen Variant Classification Criteria Version 2. Collection method: clinical testing. Allele origin: germline. Affected: yes. Observed: 1 variant allele.
Comment: CHD3: BP4